The following is an entry in ClinVar:

NM_001114753.3(ENG):c.950T>C (p.Leu317Pro)

Gene: ENG (endoglin; minus strand). Cytogenetic location: 9q34.11.
Variant type: single nucleotide variant.
Coding change: c.950T>C on transcript NM_001114753.3 (MANE Select); coding-DNA position 950, T replaced by C.
Protein change: p.Leu317Pro; replaces leucine 317 with proline.
Molecular consequence: missense variant.
Genome position (GRCh38, 1-based): chr9:127,824,841, A>G on the plus strand (T>C on the coding strand, the complement: ENG is on the minus strand). VCF-style: chr9-127824841-A-G. GRCh37 (hg19) VCF-style: chr9-130587120-A-G.
Other names: c.950T>C, p.Leu317Pro (NM_000118.4, NM_001406715.1); c.404T>C, p.Leu135Pro (NM_001278138.2); c.950T>C (NM_001114753.1); short protein forms L135P, L317P.
Identifiers: ClinVar variation 1717051 (VCV001717051.7), dbSNP rs2539072799, ClinGen allele CA374982107.

ClinVar aggregate classification (germline): Uncertain significance. Review status: criteria provided, multiple submitters, no conflicts (2 of 4 stars). 2 submissions from 2 submitters: Uncertain significance (2). Last evaluated 2026-09-08.

Conditions:
Cardiovascular phenotype. Identifiers: MedGen CN230736.
Hereditary hemorrhagic telangiectasia (HHT). Also called: Osler hemorrhagic telangiectasia syndrome; ORW DISEASE; Osler Weber Rendu syndrome; OSLER-RENDU-WEBER DISEASE. Identifiers: Orphanet 774, MedGen C0039445, MONDO:0019180. Disease mechanism: loss of function.

Submissions (2):

Ambry Genetics
Classification: Uncertain significance for Cardiovascular phenotype. Last evaluated: 2026-09-08. Review status: criteria provided, single submitter. Criteria: Ambry Variant Classification Scheme 2023. Collection method: clinical testing. Allele origin: germline.
Comment: The p.L317P variant (also known as c.950T>C), located in coding exon 7 of the ENG gene, results from a T to C substitution at nucleotide position 950. The leucine at codon 317 is replaced by proline, an amino acid with similar properties. This amino acid position is conserved. In addition, the in silico prediction for this alteration is inconclusive. Based on the available evidence, the clinical significance of this variant remains unclear.

Labcorp Genetics (formerly Invitae), Labcorp
Classification: Uncertain significance for Hereditary hemorrhagic telangiectasia. Last evaluated: 2022-08-20. Review status: criteria provided, single submitter. Criteria: Invitae Variant Classification Sherloc (09022015). Collection method: clinical testing. Allele origin: germline.
Comment: This sequence change replaces leucine, which is neutral and non-polar, with proline, which is neutral and non-polar, at codon 317 of the ENG protein (p.Leu317Pro). In summary, the available evidence is currently insufficient to determine the role of this variant in disease. Therefore, it has been classified as a Variant of Uncertain Significance. Advanced modeling of protein sequence and biophysical properties (such as structural, functional, and spatial information, amino acid conservation, physicochemical variation, residue mobility, and thermodynamic stability) performed at Invitae indicates that this missense variant is expected to disrupt ENG protein function. This variant has not been reported in the literature in individuals affected with ENG-related conditions. This variant is not present in population databases (gnomAD no frequency).